The following is an entry in ClinVar:

NM_000059.4(BRCA2):c.6832_6833insAA (p.Ile2278fs)

Gene: BRCA2 (BRCA2 DNA repair associated; plus strand). Cytogenetic location: 13q13.1.
Variant type: Insertion.
Coding change: c.6832_6833insAA on transcript NM_000059.4 (MANE Select); coding-DNA positions 6832 to 6833, AA inserted.
Protein change: p.Ile2278fs; shifts the reading frame from isoleucine 2278.
Molecular consequence: frameshift variant.
Genome position: GRCh38 VCF-style: chr13-32341186-T-TAA. GRCh37 (hg19) VCF-style: chr13-32915323-T-TAA.
Other names: short protein forms I2278fs.
Identifiers: ClinVar variation 659133 (VCV000659133.1), dbSNP rs1593909929, ClinGen allele CA915948513.

ClinVar aggregate classification (germline): Pathogenic (1 of 4 stars; one submission).

Conditions:
Hereditary breast ovarian cancer syndrome. Also called: BRCA1- and BRCA2-Associated Hereditary Breast and Ovarian Cancer; Hereditary breast and ovarian cancer syndrome; Hereditary breast and ovarian cancer syndrome (HBOC); Hereditary breast and/or ovarian cancer syndrome; Breast and ovarian cancer; Hereditary breast and ovarian cancer. Identifiers: Orphanet 145, MedGen C0677776, MeSH D061325, MONDO:0003582. Disease mechanism: loss of function.

Submission:

Labcorp Genetics (formerly Invitae), Labcorp
Classification: Pathogenic for Hereditary breast and ovarian cancer syndrome. Last evaluated: 2018-12-14. Review status: criteria provided, single submitter. Criteria: Invitae Variant Classification Sherloc (09022015). Collection method: clinical testing. Allele origin: germline.
Comment: This sequence change creates a premature translational stop signal (p.Ile2278Lysfs*3) in the BRCA2 gene. It is expected to result in an absent or disrupted protein product. This variant is not present in population databases (ExAC no frequency). This variant has not been reported in the literature in individuals with BRCA2-related conditions. Loss-of-function variants in BRCA2 are known to be pathogenic (PMID: 20104584). For these reasons, this variant has been classified as Pathogenic.